The following is an entry in ClinVar:

NM_001283009.2(RTEL1):c.2949C>G (p.Ser983Arg)

Genes: RTEL1 (regulator of telomere elongation helicase 1; plus strand), RTEL1-TNFRSF6B (RTEL1-TNFRSF6B readthrough (NMD candidate); plus strand). Cytogenetic location: 20q13.33.
Variant type: single nucleotide variant.
Coding change: c.2949C>G on transcript NM_001283009.2 (MANE Select); coding-DNA position 2949, C replaced by G.
Protein change: p.Ser983Arg; replaces serine 983 with arginine.
Molecular consequence: missense variant. On other transcripts: non-coding transcript variant (1).
Genome position (GRCh38, 1-based): chr20:63,693,240, C>G. VCF-style: chr20-63693240-C-G. GRCh37 (hg19) VCF-style: chr20-62324593-C-G.
Other names: c.2280C>G, p.Ser760Arg (NM_001283010.1); c.2949C>G, p.Ser983Arg (NM_016434.4); c.3021C>G, p.Ser1007Arg (NM_032957.5); short protein forms S1007R, S983R, S760R.
Identifiers: ClinVar variation 3948341 (VCV003948341.1).

ClinVar aggregate classification (germline): Uncertain significance (1 of 4 stars; one submission).

Conditions:
Inborn genetic diseases. Identifiers: MedGen C0950123, MeSH D030342.

gnomAD v4.1: 5 of 1,611,924 alleles (0.00031%); highest among the groups gnomAD compares: South Asian, 0.0033%; no homozygotes.

Submission:

Ambry Genetics
Classification: Uncertain significance for Inborn genetic diseases. Last evaluated: 2025-04-19. Review status: criteria provided, single submitter. Criteria: Ambry Variant Classification Scheme 2023. Collection method: clinical testing. Allele origin: germline.
Comment: The p.S983R variant (also known as c.2949C>G), located in coding exon 29 of the RTEL1 gene, results from a C to G substitution at nucleotide position 2949. The serine at codon 983 is replaced by arginine, an amino acid with dissimilar properties. This amino acid position is conserved. In addition, this alteration is predicted to be tolerated by in silico analysis. Based on the available evidence, the clinical significance of this variant remains unclear.